The following is an entry in ClinVar:

NM_138959.3(VANGL1):c.*300C>T

Gene: VANGL1 (VANGL planar cell polarity protein 1; plus strand). Cytogenetic location: 1p13.1.
Variant type: single nucleotide variant.
Coding change: c.*300C>T on transcript NM_138959.3 (MANE Select); 300 bases downstream of the stop codon, C replaced by T.
Molecular consequence: 3 prime UTR variant.
Genome position (GRCh38, 1-based): chr1:115,691,679, C>T. VCF-style: chr1-115691679-C-T. GRCh37 (hg19) VCF-style: chr1-116234300-C-T.
Other names: c.*300C>T (NM_001172411.2, NM_001172412.2).
Identifiers: ClinVar variation 292018 (VCV000292018.6), dbSNP rs41310108, ClinGen allele CA10607538.

ClinVar aggregate classification (germline): Benign. Review status: criteria provided, multiple submitters, no conflicts (2 of 4 stars). 3 submissions from 2 submitters: Benign (3). Last evaluated 2018-01-13.

Conditions:
Sacral defect with anterior meningocele. Identifiers: MedGen C1838568, OMIM 600145.
Neural tube defect (NTD). Also called: Neural tube defects. Identifiers: Orphanet 3388, Orphanet 823, MedGen C0027794, MONDO:0018075, HP:0045005.

Allele frequency attached by ClinVar (database versions not stated): gnomAD exomes 0.05763; gnomAD 0.05806 and 0.05901; TOPMed 0.06054; 1000 Genomes Project 0.06669; 1000 Genomes Project 30x 0.06855.
gnomAD v4.1: 19,268 of 330,906 alleles (5.8%); highest among the groups gnomAD compares: Admixed American, 11%; 682 homozygotes.

Submissions (3):

Illumina Laboratory Services, Illumina
Classification: Benign for Neural tube defects, susceptibility to. Last evaluated: 2018-01-13. Review status: criteria provided, single submitter. Criteria: ICSL Variant Classification Criteria 13 December 2019. Collection method: clinical testing. Allele origin: germline.
Comment: This variant was observed in the ICSL laboratory as part of a predisposition screen in an ostensibly healthy population. It had not been previously curated by ICSL or reported in the Human Gene Mutation Database (HGMD: prior to June 1st, 2018), and was therefore a candidate for classification through an automated scoring system. Utilizing variant allele frequency, disease prevalence and penetrance estimates, and inheritance mode, an automated score was calculated to assess if this variant is too frequent to cause the disease. Based on the score and internal cut-off values, a variant classified as benign is not then subjected to further curation. The score for this variant resulted in a classification of benign for this disease.

Illumina Laboratory Services, Illumina
Classification: Benign for Sacral defect with anterior meningocele. Last evaluated: 2018-01-13. Review status: criteria provided, single submitter. Criteria: ICSL Variant Classification Criteria 13 December 2019. Collection method: clinical testing. Allele origin: germline.
Comment: the same text as in the submission from Illumina Laboratory Services, Illumina above.

Breakthrough Genomics
Classification: Benign. Review status: criteria provided, single submitter. Criteria: ACMG Guidelines, 2015. Collection method: not provided. Allele origin: germline. Inheritance: Autosomal dominant inheritance. Affected: yes.